The following is an entry in ClinVar:

NM_000465.4(BARD1):c.58C>G (p.Pro20Ala)

Gene: BARD1 (BRCA1 associated RING domain 1; minus strand). Cytogenetic location: 2q35.
Variant type: single nucleotide variant.
Coding change: c.58C>G on transcript NM_000465.4 (MANE Select); coding-DNA position 58, C replaced by G.
Protein change: p.Pro20Ala; replaces proline 20 with alanine.
Molecular consequence: missense variant. On other transcripts: non-coding transcript variant (3).
Genome position (GRCh38, 1-based): chr2:214,809,512, G>C on the plus strand (C>G on the coding strand, the complement: BARD1 is on the minus strand). VCF-style: chr2-214809512-G-C. GRCh37 (hg19) VCF-style: chr2-215674236-G-C.
Other names: c.58C>G, p.Pro20Ala (NM_001282543.2, NM_001282545.2, NM_001282548.2 and 1 more transcripts); short protein forms P20A.
Identifiers: ClinVar variation 1514983 (VCV001514983.7), dbSNP rs1326795982, ClinGen allele CA350465227.

ClinVar aggregate classification (germline): Uncertain significance (1 of 4 stars; one submission).

Conditions:
Familial cancer of breast. Also called: Hereditary breast cancer; hereditary breast carcinoma; BREAST CANCER, FAMILIAL. Identifiers: Orphanet 227535, MedGen C0346153, MONDO:0016419, OMIM 114480. Disease mechanism: loss of function.

Submission:

Labcorp Genetics (formerly Invitae), Labcorp
Classification: Uncertain significance for Familial cancer of breast. Last evaluated: 2021-08-24. Review status: criteria provided, single submitter. Criteria: Invitae Variant Classification Sherloc (09022015). Collection method: clinical testing. Allele origin: germline.
Comment: This variant is not present in population databases (ExAC no frequency). This sequence change replaces proline with alanine at codon 20 of the BARD1 protein (p.Pro20Ala). The proline residue is moderately conserved and there is a small physicochemical difference between proline and alanine. This variant has not been reported in the literature in individuals affected with BARD1-related conditions. Algorithms developed to predict the effect of missense changes on protein structure and function are either unavailable or do not agree on the potential impact of this missense change (SIFT: "Deleterious"; PolyPhen-2: "Benign"; Align-GVGD: "Class C0"). In summary, the available evidence is currently insufficient to determine the role of this variant in disease. Therefore, it has been classified as a Variant of Uncertain Significance.